The following is an entry in ClinVar:

ClinVar aggregate classification (germline): Uncertain significance (1 of 4 stars; one submission).

Conditions:
Hereditary spastic paraplegia 75. Also called: Spastic paraplegia 75, autosomal recessive. Identifiers: Orphanet 459056, MedGen C4225250, MONDO:0014729, OMIM 616680.

Allele frequency attached by ClinVar (database versions not stated): gnomAD exomes below 0.00001.

Submission:

Baylor Genetics
Classification: Uncertain significance for Hereditary spastic paraplegia 75. Last evaluated: 2019-07-18. Review status: criteria provided, single submitter. Criteria: ACMG Guidelines, 2015. Collection method: clinical testing. Allele origin: unknown. Affected: yes.
Comment: This variant was determined to be of uncertain significance according to ACMG Guidelines, 2015 [PMID:25741868].

NM_002361.4(MAG):c.541G>T (p.Gly181Trp)

Gene: MAG (myelin associated glycoprotein; plus strand). Cytogenetic location: 19q13.12.
Variant type: single nucleotide variant.
Coding change: c.541G>T on transcript NM_002361.4 (MANE Select); coding-DNA position 541, G replaced by T.
Protein change: p.Gly181Trp; replaces glycine 181 with tryptophan.
Molecular consequence: missense variant.
Genome position (GRCh38, 1-based): chr19:35,299,679, G>T. VCF-style: chr19-35299679-G-T. GRCh37 (hg19) VCF-style: chr19-35790582-G-T.
Other names: c.466G>T, p.Gly156Trp (NM_001199216.2); c.541G>T, p.Gly181Trp (NM_080600.3); short protein forms G181W, G156W.
Identifiers: ClinVar variation 1029591 (VCV001029591.1), dbSNP rs2066431561, ClinGen allele CA405308629.